The following is an entry in ClinVar:

ClinVar aggregate classification (germline): Uncertain significance (1 of 4 stars; one submission).

Conditions:
Left ventricular noncompaction 8 (LVNC8). Identifiers: Orphanet 154, Orphanet 54260, MedGen C3809288, MONDO:0014152, OMIM 615373.

Allele frequency attached by ClinVar (database versions not stated): gnomAD exomes 0.00001; ExAC 0.00002; TOPMed below 0.00001.
gnomAD v4.1: 13 of 1,611,752 alleles (0.00081%); highest among the groups gnomAD compares: South Asian, 0.0011%; no homozygotes.

Submission:

Labcorp Genetics (formerly Invitae), Labcorp
Classification: Uncertain significance for Left ventricular noncompaction 8. Last evaluated: 2025-05-14. Review status: criteria provided, single submitter. Criteria: Invitae Variant Classification Sherloc (09022015). Collection method: clinical testing. Allele origin: germline.
Comment: This sequence change replaces proline, which is neutral and non-polar, with leucine, which is neutral and non-polar, at codon 787 of the PRDM16 protein (p.Pro787Leu). This variant is present in population databases (rs774871878, gnomAD 0.003%). This variant has not been reported in the literature in individuals affected with PRDM16-related conditions. ClinVar contains an entry for this variant (Variation ID: 2893605). An algorithm developed to predict the effect of missense changes on protein structure and function outputs the following: PolyPhen-2: "Benign". The leucine amino acid residue is found in multiple mammalian species, which suggests that this missense change does not adversely affect protein function. In summary, the available evidence is currently insufficient to determine the role of this variant in disease. Therefore, it has been classified as a Variant of Uncertain Significance.

NM_022114.4(PRDM16):c.2360C>T (p.Pro787Leu)

Gene: PRDM16 (PR/SET domain 16; plus strand). Cytogenetic location: 1p36.32.
Variant type: single nucleotide variant.
Coding change: c.2360C>T on transcript NM_022114.4 (MANE Select); coding-DNA position 2360, C replaced by T.
Protein change: p.Pro787Leu; replaces proline 787 with leucine.
Molecular consequence: missense variant.
Genome position (GRCh38, 1-based): chr1:3,412,557, C>T. VCF-style: chr1-3412557-C-T. GRCh37 (hg19) VCF-style: chr1-3329121-C-T.
Other names: c.2360C>T, p.Pro787Leu (NM_199454.3); short protein forms P787L.
Identifiers: ClinVar variation 2893605 (VCV002893605.3), dbSNP rs774871878, ClinGen allele CA544450.